The following is an entry in ClinVar:

ClinVar aggregate classification (germline): Uncertain significance. Review status: criteria provided, multiple submitters, no conflicts (2 of 4 stars). 2 submissions from 2 submitters: Uncertain significance (2). Last evaluated 2022-12-18.

Conditions:
Neuroblastoma, susceptibility to, 3. Also called: ALK-Related Neuroblastic Tumor Susceptibility. Identifiers: Orphanet 635, MedGen C2751681, MONDO:0013083, OMIM 613014.
Hereditary cancer-predisposing syndrome. Also called: Hereditary Cancer Syndrome; Neoplastic Syndromes, Hereditary; Hereditary neoplastic syndrome; Tumor predisposition. Identifiers: Orphanet 140162, MedGen C0027672, MeSH D009386, MONDO:0015356.

Submissions (2):

Ambry Genetics
Classification: Uncertain significance for Hereditary cancer-predisposing syndrome. Last evaluated: 2022-12-18. Review status: criteria provided, single submitter. Criteria: Ambry Variant Classification Scheme 2023. Collection method: clinical testing. Allele origin: germline.
Comment: The p.D269V variant (also known as c.806A>T), located in coding exon 3 of the ALK gene, results from an A to T substitution at nucleotide position 806. The aspartic acid at codon 269 is replaced by valine, an amino acid with highly dissimilar properties. This amino acid position is conserved. In addition, the in silico prediction for this alteration is inconclusive. Since supporting evidence is limited at this time, the clinical significance of this alteration remains unclear.

Labcorp Genetics (formerly Invitae), Labcorp
Classification: Uncertain significance for Neuroblastoma, susceptibility to, 3. Last evaluated: 2022-04-26. Review status: criteria provided, single submitter. Criteria: Invitae Variant Classification Sherloc (09022015). Collection method: clinical testing. Allele origin: germline.
Comment: This sequence change replaces aspartic acid, which is acidic and polar, with valine, which is neutral and non-polar, at codon 269 of the ALK protein (p.Asp269Val). This variant is not present in population databases (gnomAD no frequency). This variant has not been reported in the literature in individuals affected with ALK-related conditions. Algorithms developed to predict the effect of missense changes on protein structure and function are either unavailable or do not agree on the potential impact of this missense change (SIFT: "Deleterious"; PolyPhen-2: "Possibly Damaging"; Align-GVGD: "Class C0"). In summary, the available evidence is currently insufficient to determine the role of this variant in disease. Therefore, it has been classified as a Variant of Uncertain Significance.

NM_004304.5(ALK):c.806A>T (p.Asp269Val)

Gene: ALK (ALK receptor tyrosine kinase; minus strand). Cytogenetic location: 2p23.2.
Variant type: single nucleotide variant.
Coding change: c.806A>T on transcript NM_004304.5 (MANE Select); coding-DNA position 806, A replaced by T.
Protein change: p.Asp269Val; replaces aspartic acid 269 with valine.
Molecular consequence: missense variant.
Genome position (GRCh38, 1-based): chr2:29,694,996, T>A on the plus strand (A>T on the coding strand, the complement: ALK is on the minus strand). VCF-style: chr2-29694996-T-A. GRCh37 (hg19) VCF-style: chr2-29917862-T-A.
Other names: c.806A>T (NM_004304.4); short protein forms D269V.
Identifiers: ClinVar variation 2130842 (VCV002130842.6), dbSNP rs1678512774, ClinGen allele CA346587109.